The following is an entry in ClinVar:

NM_014712.3(SETD1A):c.1818_1823dup (p.Pro616_Tyr617insProPro)

Gene: SETD1A (SET domain containing 1A, histone lysine methyltransferase; plus strand). Cytogenetic location: 16p11.2.
Variant type: Duplication.
Coding change: c.1818_1823dup on transcript NM_014712.3 (MANE Select); coding-DNA positions 1818 to 1823, 6 bases duplicated (ACCTCC; older notation c.1818_1823dupACCTCC).
Protein change: p.Pro616_Tyr617insProPro.
Genome position (GRCh38, 1-based): chr16:30,965,699-30,965,704, ACCTCC duplicated; duplicating any 6 consecutive bases within chr16:30,965,697-30,965,704 gives the same sequence; the c. name uses the placement nearest the transcript's 3' end. VCF-style (leftmost placement, unchanged base first): chr16-30965696-G-GCCACCT. GRCh37 (hg19) VCF-style: chr16-30977017-G-GCCACCT.
Identifiers: ClinVar variation 4540204 (VCV004540204.1).

ClinVar aggregate classification (germline): Uncertain significance (1 of 4 stars; one submission).

Submission:

GeneDx
Classification: Uncertain significance. Last evaluated: 2025-06-26. Review status: criteria provided, single submitter. Criteria: GeneDx Variant Classification Process June 2021. Collection method: clinical testing. Allele origin: germline. Affected: yes.
Comment: Not observed at significant frequency in large population cohorts (gnomAD); In-frame duplication of 2 amino acids in a repetitive region with no known function; Has not been previously published as pathogenic or benign to our knowledge